The following is an entry in ClinVar:

NM_001005242.3(PKP2):c.307C>G (p.Pro103Ala)

Gene: PKP2 (plakophilin 2; minus strand). Cytogenetic location: 12p11.21.
Variant type: single nucleotide variant.
Coding change: c.307C>G on transcript NM_001005242.3 (MANE Select); coding-DNA position 307, C replaced by G.
Protein change: p.Pro103Ala; replaces proline 103 with alanine.
Molecular consequence: missense variant.
Genome position (GRCh38, 1-based): chr12:32,878,949, G>C on the plus strand (C>G on the coding strand, the complement: PKP2 is on the minus strand). VCF-style: chr12-32878949-G-C. GRCh37 (hg19) VCF-style: chr12-33031883-G-C.
Other names: c.307C>G, p.Pro103Ala (NM_004572.4); short protein forms P103A.
Identifiers: ClinVar variation 628363 (VCV000628363.17), dbSNP rs139215336, ClinGen allele CA235267339.
Genomic context (GRCh38, chr12:32,878,949, plus strand): 5'-ATCACTAGGGTTACATTCTTTGATATCCTACCTTTAGCATGTCATAGGTTTTAGGAACAG[G>C]GGAACGGCCTCCAACAAAATCATTTTCAACCAAGTGTAGGTTGTAGACATACTCAGGAAC-3'
Protein context (NP_001005242.2, residues 93-113): VENDFVGGRS[Pro103Ala]VPKTYDMLKA

ClinVar aggregate classification (germline): Conflicting classifications of pathogenicity. Review status: criteria provided, conflicting classifications (1 of 4 stars). 4 submissions from 4 submitters: Uncertain significance (3); Likely benign (1). Last evaluated 2026-04-16.

Conditions:
Cardiovascular phenotype. Identifiers: MedGen CN230736.
Arrhythmogenic right ventricular dysplasia 9 (ARVD9). Also called: Arrhythmogenic Right Ventricular Dysplasia/Cardiomyopathy 9; ARRHYTHMOGENIC RIGHT VENTRICULAR DYSPLASIA, FAMILIAL, 9. Identifiers: MedGen C1836906, MONDO:0012180, OMIM 609040.
Cardiomyopathy (CMYO). Also called: Cardiomyopathies. Identifiers: Orphanet 167848, MedGen C0878544, MONDO:0004994, HP:0001638. Inheritance: Various modes of inheritance.

gnomAD v4.1: 6 of 1,597,354 alleles (0.00038%); highest among the groups gnomAD compares: Non-Finnish European, 0.00043%; no homozygotes.

Submissions (4):

Ambry Genetics
Classification: Likely benign for Cardiovascular phenotype. Last evaluated: 2026-04-16. Review status: criteria provided, single submitter. Criteria: Ambry Variant Classification Scheme 2023. Collection method: clinical testing. Allele origin: germline.

Labcorp Genetics (formerly Invitae), Labcorp
Classification: Uncertain significance for Arrhythmogenic right ventricular dysplasia 9. Last evaluated: 2024-12-02. Review status: criteria provided, single submitter. Criteria: Invitae Variant Classification Sherloc (09022015). Collection method: clinical testing. Allele origin: germline.
Comment: This sequence change replaces proline, which is neutral and non-polar, with alanine, which is neutral and non-polar, at codon 103 of the PKP2 protein (p.Pro103Ala). This variant is present in population databases (no rsID available, gnomAD 0.0009%). This variant has not been reported in the literature in individuals affected with PKP2-related conditions. ClinVar contains an entry for this variant (Variation ID: 628363). An algorithm developed to predict the effect of missense changes on protein structure and function (PolyPhen-2) suggests that this variant is likely to be tolerated. In summary, the available evidence is currently insufficient to determine the role of this variant in disease. Therefore, it has been classified as a Variant of Uncertain Significance.

GeneDx
Classification: Uncertain significance. Last evaluated: 2019-12-03. Review status: criteria provided, single submitter. Criteria: GeneDx Variant Classification Process June 2021. Collection method: clinical testing. Allele origin: germline. Affected: yes.
Comment: Has not been previously published as pathogenic or benign to our knowledge; Not observed at a significant frequency in large population cohorts (Lek et al., 2016); In silico analysis, which includes protein predictors and evolutionary conservation, supports that this variant does not alter protein structure/function; Reported in ClinVar as a variant of uncertain significance but additional evidence is not available (ClinVar Variant ID# 628363; Landrum et al., 2016)

Color Diagnostics, LLC DBA Color Health
Classification: Uncertain significance for Cardiomyopathy. Last evaluated: 2019-04-09. Review status: criteria provided, single submitter. Criteria: ACMG Guidelines, 2015. Collection method: clinical testing. Allele origin: germline.
Comment: This missense variant replaces proline with alanine at codon 103 of the PKP2 protein. Computational prediction tools and conservation analyses suggest that this variant may not impact the protein function. Computational splicing tools suggest that this variant may not impact RNA splicing. To our knowledge, functional assays have not been performed for this variant nor has this variant been reported in individuals affected with cardiovascular disorders in the literature. This variant has been identified in 1/251422 chromosomes in the general population by the Genome Aggregation Database (gnomAD). Available evidence is insufficient to determine the role of this variant in disease conclusively. Therefore, this variant is classified as a Variant of Uncertain Significance.

Literature cited by the submitters: PubMed 25351510 (cited by Ambry Genetics).